The following is an entry in ClinVar:

ClinVar aggregate classification (germline): Uncertain significance (1 of 4 stars; one submission).

Submission:

GeneDx
Classification: Uncertain significance. Last evaluated: 2023-08-07. Review status: criteria provided, single submitter. Criteria: GeneDx Variant Classification Process June 2021. Collection method: clinical testing. Allele origin: germline. Affected: yes.
Comment: Not observed at significant frequency in large population cohorts (gnomAD); In silico analysis supports that this missense variant has a deleterious effect on protein structure/function; Has not been previously published as pathogenic or benign to our knowledge

NM_001024630.4(RUNX2):c.526A>C (p.Lys176Gln)

Gene: RUNX2 (RUNX family transcription factor 2; plus strand). Cytogenetic location: 6p21.1.
Variant type: single nucleotide variant.
Coding change: c.526A>C on transcript NM_001024630.4 (MANE Select); coding-DNA position 526, A replaced by C.
Protein change: p.Lys176Gln; replaces lysine 176 with glutamine.
Molecular consequence: missense variant.
Genome position (GRCh38, 1-based): chr6:45,431,965, A>C. VCF-style: chr6-45431965-A-C. GRCh37 (hg19) VCF-style: chr6-45399702-A-C.
Other names: c.526A>C, p.Lys176Gln (NM_001015051.4); c.484A>C, p.Lys162Gln (NM_001278478.2, NM_001369405.1); short protein forms K162Q, K176Q.
Identifiers: ClinVar variation 3361799 (VCV003361799.1).